The following is an entry in ClinVar:

NM_152703.5(SAMD9L):c.1918T>G (p.Ser640Ala)

Gene: SAMD9L (sterile alpha motif domain containing 9 like; minus strand). Cytogenetic location: 7q21.2.
Variant type: single nucleotide variant.
Coding change: c.1918T>G on transcript NM_152703.5 (MANE Select); coding-DNA position 1918, T replaced by G.
Protein change: p.Ser640Ala; replaces serine 640 with alanine.
Molecular consequence: missense variant.
Genome position (GRCh38, 1-based): chr7:93,134,054, A>C on the plus strand (T>G on the coding strand, the complement: SAMD9L is on the minus strand). VCF-style: chr7-93134054-A-C. GRCh37 (hg19) VCF-style: chr7-92763367-A-C.
Other names: c.1918T>G, p.Ser640Ala (NM_001303496.3, NM_001303497.3, NM_001303498.3 and 5 more transcripts); short protein forms S640A.
Identifiers: ClinVar variation 4159349 (VCV004159349.1).
Genomic context (GRCh38, chr7:93,134,054, plus strand): 5'-AGAGGATTTCCAGTGCAGTCAAGACATCCTCTTTCTTTTTCTCTAGGATAACTGAAGAAG[A>C]TCCACGGGCGGGCAAAAACCTTCTTGATGACCGAGTCACCGATTTTAGTTTAAGGATAGT-3'
Protein context (NP_689916.2, residues 630-650): SSRRFLPARG[Ser640Ala]SSVILEKKKE

ClinVar aggregate classification (germline): Uncertain significance (1 of 4 stars; one submission).

Conditions:
Inborn genetic diseases. Identifiers: MedGen C0950123, MeSH D030342.

Submission:

Ambry Genetics
Classification: Uncertain significance for Inborn genetic diseases. Last evaluated: 2025-07-20. Review status: criteria provided, single submitter. Criteria: Ambry Variant Classification Scheme 2023. Collection method: clinical testing. Allele origin: germline.
Comment: The p.S640A variant (also known as c.1918T>G), located in coding exon 1 of the SAMD9L gene, results from a T to G substitution at nucleotide position 1918. The serine at codon 640 is replaced by alanine, an amino acid with similar properties. This amino acid position is conserved. In addition, this alteration is predicted to be tolerated by in silico analysis. Based on the available evidence, the clinical significance of this variant remains unclear.